The following is an entry in ClinVar:

ClinVar aggregate classification (germline): Uncertain significance (1 of 4 stars; one submission).

Conditions:
Candidiasis, familial, 9 (CANDF9). Identifiers: Orphanet 1334, MedGen C4225324, MONDO:0014642, OMIM 616445.

gnomAD v4.1: 3 of 1,604,446 alleles (0.00019%); highest among the groups gnomAD compares: Admixed American, 0.0017%; no homozygotes.

Submission:

Labcorp Genetics (formerly Invitae), Labcorp
Classification: Uncertain significance for Candidiasis, familial, 9. Last evaluated: 2025-05-13. Review status: criteria provided, single submitter. Criteria: Invitae Variant Classification Sherloc (09022015). Collection method: clinical testing. Allele origin: germline.
Comment: This sequence change replaces arginine, which is basic and polar, with tryptophan, which is neutral and slightly polar, at codon 695 of the IL17RC protein (p.Arg695Trp). This variant is not present in population databases (gnomAD no frequency). This variant has not been reported in the literature in individuals affected with IL17RC-related conditions. An algorithm developed to predict the effect of missense changes on protein structure and function (PolyPhen-2) suggests that this variant is likely to be disruptive. In summary, the available evidence is currently insufficient to determine the role of this variant in disease. Therefore, it has been classified as a Variant of Uncertain Significance.

NM_153460.4(IL17RC):c.1870C>T (p.Arg624Trp)

Gene: IL17RC (interleukin 17 receptor C; plus strand). Cytogenetic location: 3p25.3.
Variant type: single nucleotide variant.
Coding change: c.1870C>T on transcript NM_153460.4 (MANE Select); coding-DNA position 1870, C replaced by T.
Protein change: p.Arg624Trp; replaces arginine 624 with tryptophan.
Molecular consequence: missense variant. On other transcripts: non-coding transcript variant (1).
Genome position (GRCh38, 1-based): chr3:9,933,300, C>T. VCF-style: chr3-9933300-C-T. GRCh37 (hg19) VCF-style: chr3-9974984-C-T.
Other names: c.1831C>T, p.Arg611Trp (NM_001203263.2); c.1780C>T, p.Arg594Trp (NM_001203264.2); c.1774C>T, p.Arg592Trp (NM_001203265.2); c.1792C>T, p.Arg598Trp (NM_001367278.1); c.1711C>T, p.Arg571Trp (NM_001367279.1); c.1786C>T, p.Arg596Trp (NM_001367280.1); c.1735C>T, p.Arg579Trp (NM_001410711.1); c.1825C>T, p.Arg609Trp (NM_032732.6); and 1 more; short protein forms R571W, R596W, R611W, R624W, R579W, R695W, R592W, R594W.
Identifiers: ClinVar variation 4760637 (VCV004760637.1).